The following is an entry in ClinVar:

NM_005732.4(RAD50):c.3784_3786dup (p.Phe1262_Gln1263insPhe)

Genes: RAD50 (RAD50 double strand break repair protein; plus strand), TH2LCRR (T helper type 2 locus control region associated RNA; minus strand). Cytogenetic location: 5q31.1.
Variant type: Duplication.
Coding change: c.3784_3786dup on transcript NM_005732.4 (MANE Select); coding-DNA positions 3784 to 3786, 3 bases duplicated (TTC; older notation c.3784_3786dupTTC).
Protein change: p.Phe1262_Gln1263insPhe.
Molecular consequence: inframe insertion. On other transcripts: non-coding transcript variant (1).
Genome position (GRCh38, 1-based): chr5:132,642,209-132,642,211, TTC duplicated; duplicating any 3 consecutive bases within chr5:132,642,208-132,642,211 gives the same sequence; the c. name uses the placement nearest the transcript's 3' end. VCF-style (leftmost placement, unchanged base first): chr5-132642207-A-ACTT. GRCh37 (hg19) VCF-style: chr5-131977899-A-ACTT.
Identifiers: ClinVar variation 1734867 (VCV001734867.2), dbSNP rs2479439979, ClinGen allele CA2580072795.
Genomic context (GRCh38, chr5:132,642,207, plus strand): 5'-CTAATAATATGTTCTGAATATATTGTTGCAGGATAATAAAAAGTCGCTCACAGCAGCGTA[A>ACTT]CTTCCAGCTTCTGGTAATCACTCATGATGAAGATTTTGTGGAGCTTTTAGGACGTTCTGA-3'

ClinVar aggregate classification (germline): Uncertain significance (1 of 4 stars; one submission).

Conditions:
Hereditary cancer-predisposing syndrome. Also called: Neoplastic Syndromes, Hereditary; Tumor predisposition; Hereditary Cancer Syndrome; Hereditary neoplastic syndrome. Identifiers: Orphanet 140162, MedGen C0027672, MeSH D009386, MONDO:0015356.

Submission:

Ambry Genetics
Classification: Uncertain significance for Hereditary cancer-predisposing syndrome. Last evaluated: 2021-10-29. Review status: criteria provided, single submitter. Criteria: Ambry Variant Classification Scheme 2023. Collection method: clinical testing. Allele origin: germline.
Comment: The c.3784_3786dupTTC variant (also known as p.F1262dup), located in coding exon 25 of the RAD50 gene, results from an in-frame duplication of TTC at nucleotide positions 3784 to 3786. This results in the duplication of an extra phenylalanine residue between codons 1262 and 1263. This amino acid position is highly conserved in available vertebrate species. In addition, this alteration is predicted to be deleterious by in silico analysis (Choi Y et al. PLoS ONE. 2012; 7(10):e46688). Since supporting evidence is limited at this time, the clinical significance of this alteration remains unclear.